The following is an entry in ClinVar:

ClinVar aggregate classification (germline): Uncertain significance (1 of 4 stars; one submission).

Submission:

Labcorp Genetics (formerly Invitae), Labcorp
Classification: Uncertain significance. Last evaluated: 2025-05-07. Review status: criteria provided, single submitter. Criteria: Invitae Variant Classification Sherloc (09022015). Collection method: clinical testing. Allele origin: germline.
Comment: This sequence change replaces arginine, which is basic and polar, with cysteine, which is neutral and slightly polar, at codon 114 of the TNFRSF6B protein (p.Arg114Cys). This variant is present in population databases (rs756275280, gnomAD 0.004%). This variant has not been reported in the literature in individuals affected with TNFRSF6B-related conditions. ClinVar contains an entry for this variant (Variation ID: 3701017). An algorithm developed to predict the effect of missense changes on protein structure and function outputs the following: PolyPhen-2: "Probably Damaging". The cysteine amino acid residue is found in multiple mammalian species, which suggests that this missense change does not adversely affect protein function. In summary, the available evidence is currently insufficient to determine the role of this variant in disease. Therefore, it has been classified as a Variant of Uncertain Significance.

NM_003823.4(TNFRSF6B):c.340C>T (p.Arg114Cys)

Genes: RTEL1-TNFRSF6B (RTEL1-TNFRSF6B readthrough (NMD candidate); plus strand), TNFRSF6B (TNF receptor superfamily member 6b; plus strand). Cytogenetic location: 20q13.33.
Variant type: single nucleotide variant.
Coding change: c.340C>T on transcript NM_003823.4 (MANE Select); coding-DNA position 340, C replaced by T.
Protein change: p.Arg114Cys; replaces arginine 114 with cysteine.
Molecular consequence: missense variant. On other transcripts: non-coding transcript variant (1).
Genome position (GRCh38, 1-based): chr20:63,697,107, C>T. VCF-style: chr20-63697107-C-T. GRCh37 (hg19) VCF-style: chr20-62328460-C-T.
Other names: short protein forms R114C.
Identifiers: ClinVar variation 3701017 (VCV003701017.2).